The following is an entry in ClinVar:

NM_198578.4(LRRK2):c.4747C>G (p.Leu1583Val)

Gene: LRRK2 (leucine rich repeat kinase 2; plus strand). Cytogenetic location: 12q12.
Variant type: single nucleotide variant.
Coding change: c.4747C>G on transcript NM_198578.4 (MANE Select); coding-DNA position 4747, C replaced by G.
Protein change: p.Leu1583Val; replaces leucine 1583 with valine.
Molecular consequence: missense variant.
Genome position (GRCh38, 1-based): chr12:40,315,220, C>G. VCF-style: chr12-40315220-C-G. GRCh37 (hg19) VCF-style: chr12-40709022-C-G.
Other names: short protein forms L1583V.
Identifiers: ClinVar variation 1742803 (VCV001742803.2), dbSNP rs2499852679, ClinGen allele CA384419192.

ClinVar aggregate classification (germline): Uncertain significance (1 of 4 stars; one submission).

Conditions:
Inborn genetic diseases. Identifiers: MedGen C0950123, MeSH D030342.

Submission:

Ambry Genetics
Classification: Uncertain significance for Inborn genetic diseases. Last evaluated: 2021-12-12. Review status: criteria provided, single submitter. Criteria: Ambry Variant Classification Scheme 2023. Collection method: clinical testing. Allele origin: germline.
Comment: The p.L1583V variant (also known as c.4747C>G), located in coding exon 33 of the LRRK2 gene, results from a C to G substitution at nucleotide position 4747. The leucine at codon 1583 is replaced by valine, an amino acid with highly similar properties. This amino acid position is conserved. In addition, the in silico prediction for this alteration is inconclusive. Since supporting evidence is limited at this time, the clinical significance of this alteration remains unclear.